The following is an entry in ClinVar:

ClinVar aggregate classification (germline): Uncertain significance. Review status: criteria provided, multiple submitters, no conflicts (2 of 4 stars). 3 submissions from 3 submitters: Uncertain significance (3). Last evaluated 2024-02-26.

Conditions:
Bartter disease type 1. Also called: HYPOKALEMIC ALKALOSIS WITH HYPERCALCIURIA 1, ANTENATAL; HYPERPROSTAGLANDIN E SYNDROME 1; Bartter syndrome, type 1, antenatal; Bartter Syndrome type 1. Identifiers: Orphanet 112, Orphanet 620217, MedGen C1866495, MONDO:0100344, OMIM 601678, MONDO:0011127.

Allele frequency attached by ClinVar (database versions not stated): gnomAD exomes 0.00005 and 0.00008; TOPMed 0.00008; ExAC 0.00011; gnomAD 0.00011; 1000 Genomes Project 30x 0.00016; 1000 Genomes Project 0.00020; ESP Exome Variant Server 0.00031.
gnomAD v4.1: 92 of 1,613,316 alleles (0.0057%); highest among the groups gnomAD compares: African/African-American, 0.029%; no homozygotes.

Submissions (3):

Labcorp Genetics (formerly Invitae), Labcorp
Classification: Uncertain significance. Last evaluated: 2024-02-26. Review status: criteria provided, single submitter. Criteria: Invitae Variant Classification Sherloc (09022015). Collection method: clinical testing. Allele origin: germline.
Comment: This sequence change replaces arginine, which is basic and polar, with glutamine, which is neutral and polar, at codon 761 of the SLC12A1 protein (p.Arg761Gln). This variant is present in population databases (rs144177117, gnomAD 0.05%). This variant has not been reported in the literature in individuals affected with SLC12A1-related conditions. ClinVar contains an entry for this variant (Variation ID: 1034167). An algorithm developed to predict the effect of missense changes on protein structure and function (PolyPhen-2) suggests that this variant¬†is likely to be tolerated. In summary, the available evidence is currently insufficient to determine the role of this variant in disease. Therefore, it has been classified as a Variant of Uncertain Significance.

Fulgent Genetics
Classification: Uncertain significance for Bartter disease type 1. Last evaluated: 2024-02-16. Review status: criteria provided, single submitter. Criteria: ACMG Guidelines, 2015. Collection method: clinical testing. Allele origin: germline.

Baylor Genetics
Classification: Uncertain significance for Bartter disease type 1. Last evaluated: 2018-08-22. Review status: criteria provided, single submitter. Criteria: ACMG Guidelines, 2015. Collection method: clinical testing. Allele origin: maternal. Affected: yes.
Comment: This variant was determined to be of uncertain significance according to ACMG Guidelines, 2015 [PMID:25741868].

NM_000338.3(SLC12A1):c.2282G>A (p.Arg761Gln)

Gene: SLC12A1 (solute carrier family 12 member 1; plus strand). Cytogenetic location: 15q21.1.
Variant type: single nucleotide variant.
Coding change: c.2282G>A on transcript NM_000338.3 (MANE Select); coding-DNA position 2282, G replaced by A.
Protein change: p.Arg761Gln; replaces arginine 761 with glutamine.
Molecular consequence: missense variant.
Genome position (GRCh38, 1-based): chr15:48,267,688, G>A. VCF-style: chr15-48267688-G-A. GRCh37 (hg19) VCF-style: chr15-48559885-G-A.
Other names: c.2282G>A, p.Arg761Gln (NM_001184832.2, NM_001384136.1); short protein forms R761Q.
Identifiers: ClinVar variation 1034167 (VCV001034167.4), dbSNP rs144177117, ClinGen allele CA7547336.